The following is an entry in ClinVar:

ClinVar aggregate classification (germline): Uncertain significance (1 of 4 stars; one submission).

Conditions:
Malignant hyperthermia, susceptibility to, 1 (MHS1). Also called: Anesthesia related hyperthermia; Malignant hyperpyrexia; Fulminating hyperpyrexia; Pharmacogenic myopathy; RYR1-Related Malignant Hyperthermia Susceptibility; Malignant hyperthermia suceptibility 1. Identifiers: Orphanet 423, MedGen C2930980, MONDO:0007783, OMIM 145600.

Submission:

All of Us Research Program, National Institutes of Health
Classification: Uncertain significance for Malignant hyperthermia, susceptibility to, 1. Last evaluated: 2023-10-02. Review status: criteria provided, single submitter. Criteria: ACMG Guidelines, 2015. Collection method: clinical testing. Allele origin: germline. Inheritance: Autosomal dominant inheritance. Observed: 2 variant alleles, 2 heterozygotes.
Comment: This missense variant replaces glutamic acid with glycine at codon 2078 of the RYR1 protein. Computational prediction suggests that this variant may not impact protein structure and function (internally defined REVEL score threshold <= 0.5, PMID: 27666373). To our knowledge, functional studies have not been reported for this variant. This variant has not been reported in individuals affected with RYR1-related disorders in the literature. This variant has not been identified in the general population by the Genome Aggregation Database (gnomAD). The available evidence is insufficient to determine the role of this variant in disease conclusively. Therefore, this variant is classified as a Variant of Uncertain Significance.

This study involves interpretation of variants in research participants for the purpose of population health screening. Participant phenotype was not available at the time of variant classification. Additional details can be found in publication PMID: 35346344, PMCID: PMC8962531

NM_000540.3(RYR1):c.6233A>G (p.Glu2078Gly)

Gene: RYR1 (ryanodine receptor 1; plus strand). Cytogenetic location: 19q13.2.
Variant type: single nucleotide variant.
Coding change: c.6233A>G on transcript NM_000540.3 (MANE Select); coding-DNA position 6233, A replaced by G.
Protein change: p.Glu2078Gly; replaces glutamic acid 2078 with glycine.
Molecular consequence: missense variant.
Genome position (GRCh38, 1-based): chr19:38,492,595, A>G. VCF-style: chr19-38492595-A-G. GRCh37 (hg19) VCF-style: chr19-38983235-A-G.
Other names: c.6233A>G, p.Glu2078Gly (NM_001042723.2); short protein forms E2078G.
Identifiers: ClinVar variation 3070713 (VCV003070713.1), dbSNP rs2514265238, ClinGen allele CA405662446.
Genomic context (GRCh38, chr19:38,492,595, plus strand): 5'-CCCTGGGCAGCCGCCTCATGAGCCTGTTGGAGAAAGTGCGGCTGGTGAAGAAGAAGGAAG[A>G]GAAACCTGAGGAGGAGCGGTCAGCAGAGGAGAGCAAACCCCGTGAGGACTGGGGTCACTG-3'
Protein context (NP_000531.2, residues 2068-2088): EKVRLVKKKE[Glu2078Gly]KPEEERSAEE